The following is an entry in ClinVar:

ClinVar aggregate classification (germline): Uncertain significance (1 of 4 stars; one submission).

Conditions:
Hereditary cancer-predisposing syndrome. Also called: Neoplastic Syndromes, Hereditary; Tumor predisposition; Hereditary neoplastic syndrome; Hereditary Cancer Syndrome. Identifiers: Orphanet 140162, MedGen C0027672, MeSH D009386, MONDO:0015356.

Submission:

Ambry Genetics
Classification: Uncertain significance for Hereditary cancer-predisposing syndrome. Last evaluated: 2023-10-20. Review status: criteria provided, single submitter. Criteria: Ambry Variant Classification Scheme 2023. Collection method: clinical testing. Allele origin: germline.
Comment: The p.E271A variant (also known as c.812A>C), located in coding exon 2 of the HOXB13 gene, results from an A to C substitution at nucleotide position 812. The glutamic acid at codon 271 is replaced by alanine, an amino acid with dissimilar properties. This amino acid position is conserved. In addition, this alteration is predicted to be deleterious by in silico analysis. Since supporting evidence is limited at this time, the clinical significance of this alteration remains unclear.

NM_006361.6(HOXB13):c.812A>C (p.Glu271Ala)

Gene: HOXB13 (homeobox B13; minus strand). Cytogenetic location: 17q21.32.
Variant type: single nucleotide variant.
Coding change: c.812A>C on transcript NM_006361.6 (MANE Select); coding-DNA position 812, A replaced by C.
Protein change: p.Glu271Ala; replaces glutamic acid 271 with alanine.
Molecular consequence: missense variant.
Genome position (GRCh38, 1-based): chr17:48,726,833, T>G on the plus strand (A>C on the coding strand, the complement: HOXB13 is on the minus strand). VCF-style: chr17-48726833-T-G. GRCh37 (hg19) VCF-style: chr17-46804195-T-G.
Other names: short protein forms E271A.
Identifiers: ClinVar variation 3225548 (VCV003225548.1), dbSNP rs2509512784, ClinGen allele CA400105475.